The following is an entry in ClinVar:

NM_002907.4(RECQL):c.633_635del (p.Arg212del)

Gene: RECQL (RecQ like helicase; minus strand). Cytogenetic location: 12p12.1.
Variant type: Deletion.
Coding change: c.633_635del on transcript NM_002907.4 (MANE Select); coding-DNA positions 633 to 635, 3 bases deleted (GAG; older notation c.633_635delGAG).
Protein change: p.Arg212del; deletes arginine 212.
Molecular consequence: inframe deletion.
Genome position (GRCh38, 1-based): chr12:21,483,441-21,483,443, CTC deleted on the plus strand (GAG on the coding strand, the reverse complement: RECQL is on the minus strand); deleting any 3 consecutive bases within chr12:21,483,441-21,483,445 gives the same sequence; the c. name uses the placement nearest the transcript's 3' end. VCF-style (leftmost placement, unchanged base first): chr12-21483440-TCTC-T. GRCh37 (hg19) VCF-style: chr12-21636374-TCTC-T.
Other names: c.633_635del, p.Arg212del (NM_032941.3); c.633_635delGAG (NM_002907.3); c.633_635del (NM_002907.3); short protein forms R212del.
Identifiers: ClinVar variation 1044455 (VCV001044455.10), dbSNP rs1397566136, ClinGen allele CA686395010.

ClinVar aggregate classification (germline): Uncertain significance. Review status: criteria provided, multiple submitters, no conflicts (2 of 4 stars). 3 submissions from 3 submitters: Uncertain significance (3). Last evaluated 2025-06-17.

Submissions (3):

Quest Diagnostics Nichols Institute San Juan Capistrano
Classification: Uncertain significance. Last evaluated: 2025-06-17. Review status: criteria provided, single submitter. Criteria: Quest Diagnostics criteria. Collection method: clinical testing. Allele origin: unknown.
Comment: The RECQL c.633_635del (p.Arg212del) variant has not been reported in individuals with RECQL-related conditions in the published literature. It also has not been reported in large, multi-ethnic general populations (Genome Aggregation Database). Based on the available information, we are unable to determine the clinical significance of this variant.

Labcorp Genetics (formerly Invitae), Labcorp
Classification: Uncertain significance. Last evaluated: 2025-03-22. Review status: criteria provided, single submitter. Criteria: Invitae Variant Classification Sherloc (09022015). Collection method: clinical testing. Allele origin: germline.
Comment: This variant, c.633_635del, results in the deletion of 1 amino acid(s) of the RECQL protein (p.Arg212del), but otherwise preserves the integrity of the reading frame. This variant is not present in population databases (gnomAD no frequency). This variant has not been reported in the literature in individuals affected with RECQL-related conditions. ClinVar contains an entry for this variant (Variation ID: 1044455). Experimental studies and prediction algorithms are not available or were not evaluated, and the functional significance of this variant is currently unknown. In summary, the available evidence is currently insufficient to determine the role of this variant in disease. Therefore, it has been classified as a Variant of Uncertain Significance.

Ambry Genetics
Classification: Uncertain significance. Last evaluated: 2024-02-15. Review status: criteria provided, single submitter. Criteria: Ambry Variant Classification Scheme 2023. Collection method: clinical testing. Allele origin: germline.
Comment: The c.633_635delGAG variant (also known as p.R212del) is located in coding exon 5 of the RECQL gene. This variant results from an in-frame GAG deletion at nucleotide positions 633 to 635. This results in the in-frame deletion of an arginine at codon 212. This amino acid position is not well conserved in available vertebrate species. The evidence for this gene-disease relationship is limited; therefore, the clinical significance of this alteration is unclear.